The following is an entry in ClinVar:

ClinVar aggregate classification (germline): Likely pathogenic (1 of 4 stars; one submission).

Conditions:
CHEK2-related cancer predisposition (TPDS4). Also called: TUMOR PREDISPOSITION SYNDROME 4; CANCER PREDISPOSITION SYNDROME, CHEK2-RELATED; CHEK2-related cancer susceptibility. Identifiers: Orphanet 524, MedGen C5882668, MONDO:0700271, OMIM 609265.

Submission:

Institute of Human Genetics, University of Leipzig Medical Center
Classification: Likely pathogenic for CHEK2-related cancer predisposition. Last evaluated: 2025-12-18. Review status: criteria provided, single submitter. Criteria: ACMG Guidelines, 2015. Collection method: clinical testing. Allele origin: maternal. Inheritance: Autosomal dominant inheritance. Affected: yes.
Comment: Criteria applied: PVS1_STR,PS4_MOD,PM5_SUP

NM_007194.4(CHEK2):c.1009-118_1009-89del

Gene: CHEK2 (checkpoint kinase 2; minus strand). Cytogenetic location: 22q12.1.
Variant type: Deletion.
Coding change: c.1009-118_1009-89del on transcript NM_007194.4 (MANE Select); 118 bases into the intron before coding-DNA position 1009 through 89 bases into the intron before coding-DNA position 1009, 30 bases deleted (GTTGTGTGTATCACGGCTTACGGTTTCACC).
Molecular consequence: intron variant.
Genome position (GRCh38, 1-based): chr22:28,697,076-28,697,105, GGTGAAACCGTAAGCCGTGATACACACAAC deleted on the plus strand (GTTGTGTGTATCACGGCTTACGGTTTCACC on the coding strand, the reverse complement: CHEK2 is on the minus strand). VCF-style (leftmost placement, unchanged base first): chr22-28697075-GGGTGAAACCGTAAGCCGTGATACACACAAC-G. GRCh37 (hg19) VCF-style: chr22-29093063-GGGTGAAACCGTAAGCCGTGATACACACAAC-G.
Other names: c.346-118_346-89del (NM_001437942.1, NM_001257387.3); c.808-118_808-89del (NM_001349956.3); c.1009-1232_1009-1203del (NM_145862.3); c.1102-1232_1102-1203del (NM_001438295.1); c.1102-118_1102-89del (NM_001438293.1); c.1138-1232_1138-1203del (NM_001438294.1); c.1138-118_1138-89del (NM_001005735.3).
Identifiers: ClinVar variation 4279033 (VCV004279033.2).